The following is an entry in ClinVar:

ClinVar aggregate classification (germline): Likely pathogenic (1 of 4 stars; one submission).

Conditions:
Marfan syndrome (MFS). Also called: MARFAN SYNDROME, TYPE I; Marfan syndrome type 1; Marfan's syndrome; Marfan syndrome, classic; FBN1-Related Marfan Syndrome. Identifiers: Orphanet 284963, Orphanet 558, MedGen C0024796, MONDO:0007947, OMIM 154700.

Submission:

Petrovsky National Research Centre of Surgery, The Federal Agency for Scientific Organizations
Classification: Likely pathogenic for Marfan syndrome. Last evaluated: 2023-01-20. Review status: criteria provided, single submitter. Criteria: ACMG Guidelines, 2015. Collection method: clinical testing. Allele origin: germline. Affected: yes.
Comment: The c.2294-2A>G is absent in The Genome Aggregation Database (gnomAD) (Date of access: 20-01-2023). The variant has been reported 1 time in UMD-FBN1 database (UMD_id: 2626). Interpretation of canonical splice site region was done in accordance with ACMG/AMP recommendations for interpreting the loss of function PVS1 (PMID: 30192042) and AutoPVS1 tool (PMID: 32442321). In accordance with ACMG(2015) criteria this variant is classified as Likely Pathogenic with following criteria selected: PVS1_Strong, PM2.

Literature cited by the submitters: PubMed 30192042; PubMed 32442321.

NM_000138.5(FBN1):c.2294-2A>G

Gene: FBN1 (fibrillin 1; minus strand). Cytogenetic location: 15q21.1.
Variant type: single nucleotide variant.
Coding change: c.2294-2A>G on transcript NM_000138.5 (MANE Select); the canonical splice acceptor site of the intron before coding-DNA position 2294, A replaced by G.
Molecular consequence: splice acceptor variant.
Genome position (GRCh38, 1-based): chr15:48,496,227, T>C on the plus strand (A>G on the coding strand, the complement: FBN1 is on the minus strand). VCF-style: chr15-48496227-T-C. GRCh37 (hg19) VCF-style: chr15-48788424-T-C.
Other names: c.2294-2A>G (NM_001406716.1).
Identifiers: ClinVar variation 2671837 (VCV002671837.2), dbSNP rs2505573903, ClinGen allele CA392335568.